The following is an entry in ClinVar:

ClinVar aggregate classification (germline): Uncertain significance. Review status: criteria provided, multiple submitters, no conflicts (2 of 4 stars). 2 submissions from 2 submitters: Uncertain significance (2). Last evaluated 2024-01-08.

Conditions:
Inborn genetic diseases. Identifiers: MedGen C0950123, MeSH D030342.

Submissions (2):

Labcorp Genetics (formerly Invitae), Labcorp
Classification: Uncertain significance. Last evaluated: 2024-01-08. Review status: criteria provided, single submitter. Criteria: Invitae Variant Classification Sherloc (09022015). Collection method: clinical testing. Allele origin: germline.
Comment: This variant, c.12879_12890del, results in the deletion of 4 amino acid(s) of the PCLO protein (p.Arg4294_Ser4297del), but otherwise preserves the integrity of the reading frame. This variant is present in population databases (rs781343476, gnomAD 0.03%). This variant has not been reported in the literature in individuals affected with PCLO-related conditions. ClinVar contains an entry for this variant (Variation ID: 1376072). Experimental studies and prediction algorithms are not available or were not evaluated, and the functional significance of this variant is currently unknown. In summary, the available evidence is currently insufficient to determine the role of this variant in disease. Therefore, it has been classified as a Variant of Uncertain Significance.

Ambry Genetics
Classification: Uncertain significance for Inborn genetic diseases. Last evaluated: 2022-01-28. Review status: criteria provided, single submitter. Criteria: Ambry Variant Classification Scheme 2023. Collection method: clinical testing. Allele origin: germline.
Comment: The c.12879_12890del12 (p.R4294_S4297del) alteration is located in exon 7 (coding exon 7) of the PCLO gene. This alteration consists of an in-frame deletion of 12 nucleotides between nucleotide positions c.12879 and c.12890, resulting in the deletion of 4 residues. Based on insufficient or conflicting evidence, the clinical significance of this alteration remains unclear.

NM_033026.6(PCLO):c.12867CAGACCTTCCTC[1] (p.4290RPSS[1])

Gene: PCLO (piccolo presynaptic cytomatrix protein; minus strand). Cytogenetic location: 7q21.11.
Variant type: Microsatellite.
Coding change: c.12867CAGACCTTCCTC[1] on transcript NM_033026.6 (MANE Select); one copy of the 12-base unit CAGACCTTCCTC starting at c.12867; the reference has two copies in a row; one copy, 12 bases deleted.
Protein change: p.4290RPSS[1].
Molecular consequence: inframe deletion.
Genome position (GRCh38, 1-based): chr7:82,915,096-82,915,107, GAGGAAGGTCTG deleted on the plus strand (CAGACCTTCCTC on the coding strand, the reverse complement: PCLO is on the minus strand); deleting any 12 consecutive bases within chr7:82,915,096-82,915,121 gives the same sequence; the position shown is the placement nearest the transcript's 3' end. VCF-style (leftmost placement, unchanged base first): chr7-82915095-AGAGGAAGGTCTG-A. GRCh37 (hg19) VCF-style: chr7-82544411-AGAGGAAGGTCTG-A.
Other names: c.12867CAGACCTTCCTC[1], p.4290RPSS[1] (NM_014510.3); c.12879_12890del12 (NM_033026.5).
Identifiers: ClinVar variation 1376072 (VCV001376072.5), dbSNP rs781343476, ClinGen allele CA4319286.